The following is an entry in ClinVar:

ClinVar aggregate classification (germline): Conflicting classifications of pathogenicity. Review status: criteria provided, conflicting classifications (1 of 4 stars). 11 submissions from 11 submitters: Uncertain significance (9); Likely benign (2). Last evaluated 2026-10-01.

Conditions:
MSH6-related disorder. Also called: MSH6-related condition; MSH6-Related disorders.
Hereditary nonpolyposis colorectal neoplasms. Identifiers: MedGen C0009405, MeSH D003123.
Hereditary cancer-predisposing syndrome. Also called: Hereditary neoplastic syndrome; Tumor predisposition; Neoplastic Syndromes, Hereditary; Hereditary Cancer Syndrome. Identifiers: Orphanet 140162, MedGen C0027672, MeSH D009386, MONDO:0015356.
Lynch syndrome. Identifiers: Orphanet 144, MedGen C4552100, MONDO:0005835. Disease mechanism: loss of function.
Lynch syndrome 5 (LYNCH5). Also called: Hereditary non-polyposis colorectal cancer, type 5; Colorectal cancer, hereditary nonpolyposis, type 5. Identifiers: Orphanet 144, MedGen C1833477, MONDO:0013710, OMIM 614350. Disease mechanism: loss of function.
Endometrial carcinoma. Also called: Endometrial carcinoma, somatic. Identifiers: MedGen C0476089, MONDO:0002447, OMIM 608089, HP:0012114.

Submissions (11):

St. Jude Molecular Pathology, St. Jude Children's Research Hospital
Classification: Uncertain significance for Lynch syndrome 5. Last evaluated: 2026-10-01. Review status: criteria provided, single submitter. Criteria: St. Jude Assertion Criteria 2020. Collection method: clinical testing. Allele origin: germline.
Comment: The MSH6 c.1921_1 923del p.(Glu641del) change deletes three nucleotides at position 1921-1923 resulting in an in-frame deletion of one amino acid at codon 641. This variant is absent in gnomAD v2.1.1. To our knowledge, this variant has not been reported in individuals with Lynch syndrome or constitutional mismatch repair deficiency. In summary, the evidence currently available is insufficient to determine the clinical significance of this variant. It has therefore been classified as of uncertain significance.

PreventionGenetics, part of Exact Sciences
Classification: Uncertain significance for MSH6-related condition. Last evaluated: 2026-06-29. Review status: criteria provided, single submitter. Criteria: ACMG Guidelines, 2015. Collection method: clinical testing. Allele origin: germline.
Comment: The MSH6 c.1921_1923delGAA variant is predicted to result in an in-frame deletion (p.Glu641del). This variant was reported in an individual with breast cancer and interpreted as uncertain significance (Dutil et al. 2019. PubMed ID: 31780696, Table 1). This variant has not been reported in a large population database (gnomAD), indicating this variant is rare. In ClinVar, this variant is interpreted as uncertain significance and likely benign (Variation ID: 187749). At this time, the clinical significance of this variant is uncertain due to the absence of conclusive functional and genetic evidence.

Ambry Genetics
Classification: Uncertain significance for Hereditary cancer-predisposing syndrome. Last evaluated: 2026-04-30. Review status: criteria provided, single submitter. Criteria: Ambry Variant Classification Scheme 2023. Collection method: clinical testing. Allele origin: germline.
Comment: The c.1921_1923delGAA variant (also known as p.E641del) is located in coding exon 4 of the MSH6 gene. This variant results from an in-frame GAA deletion at nucleotide positions 1921 to 1923. This results in the in-frame deletion of a glutamic acid at codon 641. The deleted amino acid position is poorly conserved in available vertebrate species. In addition, this variant is predicted to be deleterious by in silico analysis (Choi Y et al. PLoS ONE. 2012; 7(10):e46688). Based on the available evidence, the clinical significance of this variant remains unclear.

Labcorp Genetics (formerly Invitae), Labcorp
Classification: Likely benign for Hereditary nonpolyposis colorectal neoplasms. Last evaluated: 2025-12-22. Review status: criteria provided, single submitter. Criteria: Invitae Variant Classification Sherloc (09022015). Collection method: clinical testing. Allele origin: germline.

Color Diagnostics, LLC DBA Color Health
Classification: Uncertain significance for Hereditary cancer-predisposing syndrome. Last evaluated: 2025-07-21. Review status: criteria provided, single submitter. Criteria: ACMG Guidelines, 2015. Collection method: clinical testing. Allele origin: germline.
Comment: This variant causes an in-frame deletion of one amino acid at codon 641 of the MSH6 protein. To our knowledge, functional studies have not been reported for this variant. This variant has been reported in an individual affected with breast cancer (PMID: 31780696). This variant has been identified in 1/245838 chromosomes in the general population by the Genome Aggregation Database (gnomAD). The available evidence is insufficient to determine the role of this variant in disease conclusively. Therefore, this variant is classified as a Variant of Uncertain Significance.

Women's Health and Genetics/Laboratory Corporation of America, LabCorp
Classification: Uncertain significance. Last evaluated: 2025-01-28. Review status: criteria provided, single submitter. Criteria: LabCorp Variant Classification Summary - May 2015. Collection method: clinical testing. Allele origin: germline.
Comment: Variant summary: MSH6 c.1921_1923delGAA (p.Glu641del) results in an in-frame deletion that is predicted to remove one amino acid from the DNA mismatch repair protein MutS, connector domain (IPR007860) of the encoded protein. The variant was absent in 251038 control chromosomes. The available data on variant occurrences in the general population are insufficient to allow any conclusion about variant significance. c.1921_1923delGAA has been reported in the literature in a setting of multigene panel testing as a VUS in an individual affected with Breast Cancer. This report does not provide unequivocal conclusions about association of the variant with MSH6-related cancers. To our knowledge, no experimental evidence demonstrating an impact on protein function has been reported. The following publication has been ascertained in the context of this evaluation (PMID: 31780696). ClinVar contains an entry for this variant (Variation ID: 187749). Based on the evidence outlined above, the variant was classified as uncertain significance.

Myriad Genetics, Inc.
Classification: Likely benign for Lynch syndrome 5. Last evaluated: 2024-12-30. Review status: criteria provided, single submitter. Criteria: Myriad Autosomal Dominant, Autosomal Recessive and X-Linked Classification Criteria (2023). Collection method: clinical testing. Allele origin: unknown.
Comment: This variant is considered likely benign. This variant is strongly associated with less severe personal and family histories of cancer, typical for individuals without pathogenic variants in this gene [PMID: 27363726].

Baylor Genetics
Classification: Uncertain significance for Endometrial carcinoma. Last evaluated: 2024-02-23. Review status: criteria provided, single submitter. Criteria: ACMG Guidelines, 2015. Collection method: clinical testing. Allele origin: unknown.

All of Us Research Program, National Institutes of Health
Classification: Uncertain significance for Lynch syndrome. Last evaluated: 2023-11-20. Review status: criteria provided, single submitter. Criteria: ACMG Guidelines, 2015. Collection method: clinical testing. Allele origin: germline. Inheritance: Autosomal dominant inheritance. Observed: 4 variant alleles, 4 heterozygotes.
Comment: This variant causes an in-frame deletion of one amino acid of the MSH6 protein. To our knowledge, functional studies have not been reported for this variant. This variant has been reported in an individual affected with breast cancer (PMID: 31780696). This variant has been identified in 1/245838 chromosomes in the general population by the Genome Aggregation Database (gnomAD). The available evidence is insufficient to determine the role of this variant in disease conclusively. Therefore, this variant is classified as a Variant of Uncertain Significance.

This study involves interpretation of variants in research participants for the purpose of population health screening. Participant phenotype was not available at the time of variant classification. Additional details can be found in publication PMID: 35346344, PMCID: PMC8962531

GeneDx
Classification: Uncertain significance. Last evaluated: 2022-06-03. Review status: criteria provided, single submitter. Criteria: GeneDx Variant Classification Process June 2021. Collection method: clinical testing. Allele origin: germline. Affected: yes.
Comment: Not observed at significant frequency in large population cohorts (gnomAD); In-frame deletion of 1 amino acid in a non-repeat region; In silico analysis supports a deleterious effect on protein structure/function; Identified in a patient with breast cancer (Dutil 2019); This variant is associated with the following publications: (PMID: 31780696, 17531815, 21120944)

Quest Diagnostics Nichols Institute San Juan Capistrano
Classification: Uncertain significance. Last evaluated: 2021-03-02. Review status: criteria provided, single submitter. Criteria: Quest Diagnostics criteria. Collection method: clinical testing. Allele origin: unknown.

Literature cited by the submitters: PubMed 31780696 (cited by 4 submitters); PubMed 27363726 (cited by Myriad Genetics, Inc.).

NM_000179.3(MSH6):c.1918GAA[1] (p.Glu641del)

Gene: MSH6 (mutS homolog 6; plus strand). Cytogenetic location: 2p16.3.
Variant type: Microsatellite.
Coding change: c.1918GAA[1] on transcript NM_000179.3 (MANE Select); one copy of the 3-base unit GAA starting at c.1918; the reference has two copies in a row; one copy, 3 bases deleted; also written c.1921_1923del.
Protein change: p.Glu641del; deletes glutamic acid 641.
Molecular consequence: inframe deletion.
Genome position (GRCh38, 1-based): chr2:47,799,904-47,799,906, GAA deleted; deleting any 3 consecutive bases within chr2:47,799,901-47,799,906 gives the same sequence; the position shown is the placement nearest the transcript's 3' end. VCF-style (leftmost placement, unchanged base first): chr2-47799900-GGAA-G. GRCh37 (hg19) VCF-style: chr2-48027039-GGAA-G.
Other names: c.1921_1923del (NM_000179.3); c.1921_1923delGAA (NM_000179.3, NM_000179.2); c.1528GAA[1], p.Glu511del (NM_001281492.2); c.1012GAA[1], p.Glu339del (NM_001281493.2, NM_001281494.2); short protein forms E641del, E511del, E339del.
Identifiers: ClinVar variation 187749 (VCV000187749.32), dbSNP rs786203970, ClinGen allele CA009463.